The following is an entry in ClinVar:

ClinVar aggregate classification (germline): Uncertain significance. Review status: criteria provided, multiple submitters, no conflicts (2 of 4 stars). 2 submissions from 2 submitters: Uncertain significance (2). Last evaluated 2026-02-17.

Conditions:
Inborn genetic diseases. Identifiers: MedGen C0950123, MeSH D030342.
Brachyolmia-amelogenesis imperfecta syndrome. Also called: PLATYSPONDYLY WITH AMELOGENESIS IMPERFECTA; Tooth agenesis, selective, 6; Dental anomalies and short stature. Identifiers: Orphanet 2899, MedGen C1832594, MONDO:0011018, OMIM 601216. Disease mechanism: loss of function.

Allele frequency attached by ClinVar (database versions not stated): gnomAD 0.00001; gnomAD exomes 0.00001; TOPMed 0.00001.
gnomAD v4.1: 12 of 1,548,472 alleles (0.00077%); highest among the groups gnomAD compares: Non-Finnish European, 0.001%; no homozygotes.

Submissions (2):

Ambry Genetics
Classification: Uncertain significance for Inborn genetic diseases. Last evaluated: 2026-02-17. Review status: criteria provided, single submitter. Criteria: Ambry Variant Classification Scheme 2023. Collection method: clinical testing. Allele origin: germline.
Comment: The c.3545C>T (p.A1182V) alteration is located in exon 25 (coding exon 25) of the LTBP3 gene. This alteration results from a C to T substitution at nucleotide position 3545, causing the alanine (A) at amino acid position 1182 to be replaced by a valine (V). Based on data from gnomAD, the T allele has an overall frequency of 0.001% (1/181200) total alleles studied. The highest observed frequency was 0.001% (1/76642) of European (non-Finnish) alleles. Based on insufficient or conflicting evidence, the clinical significance of this alteration remains unclear.

Labcorp Genetics (formerly Invitae), Labcorp
Classification: Uncertain significance for Brachyolmia-amelogenesis imperfecta syndrome. Last evaluated: 2022-11-04. Review status: criteria provided, single submitter. Criteria: Invitae Variant Classification Sherloc (09022015). Collection method: clinical testing. Allele origin: germline.
Comment: In summary, the available evidence is currently insufficient to determine the role of this variant in disease. Therefore, it has been classified as a Variant of Uncertain Significance. Algorithms developed to predict the effect of missense changes on protein structure and function are either unavailable or do not agree on the potential impact of this missense change (SIFT: "Deleterious"; PolyPhen-2: "Benign"; Align-GVGD: "Class C0"). This variant has not been reported in the literature in individuals affected with LTBP3-related conditions. This variant is not present in population databases (gnomAD no frequency). This sequence change replaces alanine, which is neutral and non-polar, with valine, which is neutral and non-polar, at codon 1182 of the LTBP3 protein (p.Ala1182Val).

NM_001130144.3(LTBP3):c.3545C>T (p.Ala1182Val)

Gene: LTBP3 (latent transforming growth factor beta binding protein 3; minus strand). Cytogenetic location: 11q13.1.
Variant type: single nucleotide variant.
Coding change: c.3545C>T on transcript NM_001130144.3 (MANE Select); coding-DNA position 3545, C replaced by T.
Protein change: p.Ala1182Val; replaces alanine 1182 with valine.
Molecular consequence: missense variant.
Genome position (GRCh38, 1-based): chr11:65,539,722, G>A on the plus strand (C>T on the coding strand, the complement: LTBP3 is on the minus strand). VCF-style: chr11-65539722-G-A. GRCh37 (hg19) VCF-style: chr11-65307193-G-A.
Other names: c.3053C>T, p.Ala1018Val (NM_001164266.1); c.3404C>T, p.Ala1135Val (NM_021070.4); short protein forms A1182V, A1018V, A1135V.
Identifiers: ClinVar variation 1732518 (VCV001732518.9), dbSNP rs1287745500, ClinGen allele CA381266653.
Genomic context (GRCh38, chr11:65,539,722, plus strand): 5'-GTCCCCGGGCCCTGGCCCCCATCCTCGCTCCCGGCCAACTCCTCCCCGACTGCCTTACCC[G>A]CGCCGCGCGGCGGGCACGGTCGGCATTGGGCGCCCCAGCCGCGGCCCTGGCGGCAGCAGC-3'
Protein context (NP_001123616.1, residues 1172-1192): AQCRPCPPRG[Ala1182Val]GSHCPTSQSE